The following is an entry in ClinVar:

NM_001205293.3(CACNA1E):c.372+3A>T

Gene: CACNA1E (calcium voltage-gated channel subunit alpha1 E; plus strand). Cytogenetic location: 1q25.3.
Variant type: single nucleotide variant.
Coding change: c.372+3A>T on transcript NM_001205293.3 (MANE Select); 3 bases into the intron after coding-DNA position 372, A replaced by T.
Molecular consequence: intron variant.
Genome position (GRCh38, 1-based): chr1:181,510,585, A>T. VCF-style: chr1-181510585-A-T. GRCh37 (hg19) VCF-style: chr1-181479721-A-T.
Other names: c.372+3A>T (NM_000721.4, NM_001205294.2).
Identifiers: ClinVar variation 2864495 (VCV002864495.3), dbSNP rs747286613, ClinGen allele CA2649394101.

ClinVar aggregate classification (germline): Uncertain significance (1 of 4 stars; one submission).

gnomAD v4.1: 3 of 1,576,780 alleles (0.00019%); highest among the groups gnomAD compares: Non-Finnish European, 0.00026%; no homozygotes.

Submission:

Labcorp Genetics (formerly Invitae), Labcorp
Classification: Uncertain significance. Last evaluated: 2023-06-20. Review status: criteria provided, single submitter. Criteria: Invitae Variant Classification Sherloc (09022015). Collection method: clinical testing. Allele origin: germline.
Comment: In summary, the available evidence is currently insufficient to determine the role of this variant in disease. Therefore, it has been classified as a Variant of Uncertain Significance. Variants that disrupt the consensus splice site are a relatively common cause of aberrant splicing (PMID: 17576681, 9536098). Algorithms developed to predict the effect of sequence changes on RNA splicing suggest that this variant may disrupt the consensus splice site. This variant is not present in population databases (gnomAD no frequency). This variant has not been reported in the literature in individuals affected with CACNA1E-related conditions. This sequence change falls in intron 2 of the CACNA1E gene. It does not directly change the encoded amino acid sequence of the CACNA1E protein. It affects a nucleotide within the consensus splice site.

Literature cited by the submitters: PubMed 17576681; PubMed 9536098.